The following is an entry in ClinVar:

ClinVar aggregate classification (germline): Uncertain significance. Review status: criteria provided, multiple submitters, no conflicts (2 of 4 stars). 4 submissions from 4 submitters: Uncertain significance (4). Last evaluated 2023-05-31.

Conditions:
Hereditary cancer-predisposing syndrome. Also called: Hereditary neoplastic syndrome; Neoplastic Syndromes, Hereditary; Tumor predisposition; Hereditary Cancer Syndrome. Identifiers: Orphanet 140162, MedGen C0027672, MeSH D009386, MONDO:0015356.
Hereditary breast ovarian cancer syndrome. Also called: Hereditary breast and ovarian cancer syndrome (HBOC); Breast and ovarian cancer; Hereditary breast and ovarian cancer syndrome; Hereditary breast and ovarian cancer; Hereditary breast and/or ovarian cancer syndrome; BRCA1- and BRCA2-Associated Hereditary Breast and Ovarian Cancer. Identifiers: Orphanet 145, MedGen C0677776, MeSH D061325, MONDO:0003582. Disease mechanism: loss of function.
Breast-ovarian cancer, familial, susceptibility to, 2 (BROVCA2). Also called: BRCA2 Hereditary Breast and Ovarian Cancer. Identifiers: Orphanet 145, MedGen C2675520, MONDO:0012933, OMIM 612555. Disease mechanism: loss of function.

Submissions (4):

All of Us Research Program, National Institutes of Health
Classification: Uncertain significance for Breast-ovarian cancer, familial, susceptibility to, 2. Last evaluated: 2023-05-31. Review status: criteria provided, single submitter. Criteria: ACMG Guidelines, 2015. Collection method: clinical testing. Allele origin: germline. Inheritance: Autosomal dominant inheritance. Observed: 1 variant allele, 1 heterozygote.
Comment: This study involves interpretation of variants in research participants for the purpose of population health screening. Participant phenotype was not available at the time of variant classification. Additional details can be found in publication PMID: 35346344, PMCID: PMC8962531

Color Diagnostics, LLC DBA Color Health
Classification: Uncertain significance for Hereditary cancer-predisposing syndrome. Last evaluated: 2022-01-11. Review status: criteria provided, single submitter. Criteria: ACMG Guidelines, 2015. Collection method: clinical testing. Allele origin: germline.
Comment: This variant is located in intron 2 of the BRCA2 gene. It is predicted to abolish the intron 2 splice acceptor site at the AG dinucleotide at the 3' terminus of the intron. However, there is an alternative AG dinucleotide at c.72_73, which if used is predicted to cause a 6-basepair deletion (r.68_73del) and an in-frame deletion of 2 amino acids. RNA studies on this and a similar canonical splice acceptor site variant, c.68-2A>G, reported aberrant splicing with the major product being the predicted in-frame deletion of the first six 6 nucleotides in exon 3 (PMID: 32641407, 33469799). This variant has not been reported in individuals affected with hereditary cancer in the literature. This variant has not been identified in the general population by the Genome Aggregation Database (gnomAD). The available evidence is insufficient to determine the role of this variant in disease conclusively. Therefore, this variant is classified as a Variant of Uncertain Significance.

Labcorp Genetics (formerly Invitae), Labcorp
Classification: Uncertain significance for Hereditary breast ovarian cancer syndrome. Last evaluated: 2022-01-11. Review status: criteria provided, single submitter. Criteria: Invitae Variant Classification Sherloc (09022015). Collection method: clinical testing. Allele origin: germline.
Comment: This sequence change affects an acceptor splice site in intron 2 of the BRCA2 gene. RNA analysis indicates that disruption of this splice site induces altered splicing and likely results in the loss of 2 amino acid residue(s), but is expected to preserve the integrity of the reading-frame. This variant is not present in population databases (gnomAD no frequency). This variant has not been reported in the literature in individuals affected with BRCA2-related conditions. ClinVar contains an entry for this variant (Variation ID: 481036). Studies have shown that disruption of this splice site results in the activation of a cryptic splice site in exon 3 (PMID: 32641407). In summary, the available evidence is currently insufficient to determine the role of this variant in disease. Therefore, it has been classified as a Variant of Uncertain Significance.

Ambry Genetics
Classification: Uncertain significance for Hereditary cancer-predisposing syndrome. Last evaluated: 2021-10-25. Review status: criteria provided, single submitter. Criteria: Ambry Variant Classification Scheme 2023. Collection method: clinical testing. Allele origin: germline.
Comment: The c.68-1G>A intronic variant results from a G to A substitution one nucleotide upstream from coding exon 2 of the BRCA2 gene. This nucleotide position is highly conserved in available vertebrate species. In silico splice site analysis predicts that this alteration will weaken the native splice acceptor site and will result in the creation or strengthening of a novel splice acceptor site. RNA studies have demonstrated that this alteration results in substantial expression of multiple abnormal transcripts including a splice variant which is predicted to result in an in-frame loss of two amino acids as well as one that results in skipping of coding exon 2 (also known as exon 3 in the literature; (Ambry internal data; Nix P et al. Fam Cancer, 2021 Jan; personal communication). The loss of coding exon 2 of is strongly associated with hereditary breast and ovarian cancer phenotype based on multifactorial analysis (Caputo SM et al. Oncotarget, 2018 Apr;9:17334-17348); however the functional and clinical impact of the small in-frame loss is unknown. Functional studies showed that a close-match alteration with a similar splicing profile as this variant, BRCA2 c.68-2A>G, was able to rescue the growth defect in BRCA2-null mouse embryonic stem cells and that these surviving cells maintained partial activity in a homology directed DNA repair functional assay (personal communication). BRCA2 c.68-2A>G is also identified in patients who collectively have a phenotype that is not consistent with a high risk BRCA2 pathogenic variant (Nix P et al. Fam Cancer, 2021 Jan). Since supporting evidence is conflicting at this time, the clinical significance of this alteration remains unclear. It cannot yet be ruled out that this variant may be hypomorphic and present with reduced risks and/or biallelic phenotype.

Literature cited by the submitters: PubMed 32641407 (cited by Color Diagnostics, LLC DBA Color Health and Labcorp Genetics (formerly Invitae), Labcorp); PubMed 33469799 (cited by Color Diagnostics, LLC DBA Color Health).

NM_000059.4(BRCA2):c.68-1G>A

Gene: BRCA2 (BRCA2 DNA repair associated; plus strand). Cytogenetic location: 13q13.1.
Variant type: single nucleotide variant.
Coding change: c.68-1G>A on transcript NM_000059.4 (MANE Select); the canonical splice acceptor site of the intron before coding-DNA position 68, G replaced by A.
Molecular consequence: splice acceptor variant.
Genome position (GRCh38, 1-based): chr13:32,319,076, G>A. VCF-style: chr13-32319076-G-A. GRCh37 (hg19) VCF-style: chr13-32893213-G-A.
Other names: c.68-1G>A (NM_001406720.1, NM_001406719.1, NM_001406721.1); c.-302-1G>A (NM_001406722.1).
Identifiers: ClinVar variation 481036 (VCV000481036.18), dbSNP rs1060502376, ClinGen allele CA387754004.